The following is an entry in ClinVar:

ClinVar aggregate classification (germline): Uncertain significance (1 of 4 stars; one submission).

Conditions:
Inborn genetic diseases. Identifiers: MedGen C0950123, MeSH D030342.

gnomAD v4.1: 3 of 1,614,128 alleles (0.00019%); highest among the groups gnomAD compares: African/African-American, 0.0013%; no homozygotes.

Submission:

Ambry Genetics
Classification: Uncertain significance for Inborn genetic diseases. Last evaluated: 2025-04-12. Review status: criteria provided, single submitter. Criteria: Ambry Variant Classification Scheme 2023. Collection method: clinical testing. Allele origin: germline.
Comment: The p.T390A variant (also known as c.1168A>G), located in coding exon 10 of the CEP57 gene, results from an A to G substitution at nucleotide position 1168. The threonine at codon 390 is replaced by alanine, an amino acid with similar properties. This amino acid position is conserved. In addition, this alteration is predicted to be tolerated by in silico analysis. Based on the available evidence, the clinical significance of this variant remains unclear.

NM_014679.5(CEP57):c.1168A>G (p.Thr390Ala)

Gene: CEP57 (centrosomal protein 57; plus strand). Cytogenetic location: 11q21.
Variant type: single nucleotide variant.
Coding change: c.1168A>G on transcript NM_014679.5 (MANE Select); coding-DNA position 1168, A replaced by G.
Protein change: p.Thr390Ala; replaces threonine 390 with alanine.
Molecular consequence: missense variant.
Genome position (GRCh38, 1-based): chr11:95,829,227, A>G. VCF-style: chr11-95829227-A-G. GRCh37 (hg19) VCF-style: chr11-95562391-A-G.
Other names: c.1141A>G, p.Thr381Ala (NM_001243776.2); c.1090A>G, p.Thr364Ala (NM_001243777.2); c.1087A>G, p.Thr363Ala (NM_001363604.2); short protein forms T363A, T381A, T390A, T364A.
Identifiers: ClinVar variation 4001009 (VCV004001009.1).